The following is an entry in ClinVar:

NM_001291303.3(FAT4):c.12390T>A (p.His4130Gln)

Gene: FAT4 (FAT atypical cadherin 4; plus strand). Cytogenetic location: 4q28.1.
Variant type: single nucleotide variant.
Coding change: c.12390T>A on transcript NM_001291303.3 (MANE Select); coding-DNA position 12390, T replaced by A.
Protein change: p.His4130Gln; replaces histidine 4130 with glutamine.
Molecular consequence: missense variant.
Genome position (GRCh38, 1-based): chr4:125,477,245, T>A. VCF-style: chr4-125477245-T-A. GRCh37 (hg19) VCF-style: chr4-126398400-T-A.
Other names: c.12390T>A, p.His4130Gln (NM_001291285.3); c.12384T>A, p.His4128Gln (NM_024582.6); short protein forms H4128Q, H4130Q.
Identifiers: ClinVar variation 2010156 (VCV002010156.4), dbSNP rs2531005151, ClinGen allele CA358131053.
Genomic context (GRCh38, chr4:125,477,245, plus strand): 5'-AGTTGGAGGTATCAGATCTCTAGAACCAATCCTTCAGAGAAGAGGACACGTGGAAAGCCA[T>A]GATTTTGTTGGGTGTATAATGGAGTTTGCAGTCAATGGAAGGCCTCTGGAACCCAGCCAA-3'
Protein context (NP_001278232.1, residues 4120-4140): ILQRRGHVES[His4130Gln]DFVGCIMEFA

ClinVar aggregate classification (germline): Uncertain significance (1 of 4 stars; one submission).

Submission:

Labcorp Genetics (formerly Invitae), Labcorp
Classification: Uncertain significance. Last evaluated: 2023-07-17. Review status: criteria provided, single submitter. Criteria: Invitae Variant Classification Sherloc (09022015). Collection method: clinical testing. Allele origin: germline.
Comment: In summary, the available evidence is currently insufficient to determine the role of this variant in disease. Therefore, it has been classified as a Variant of Uncertain Significance. Advanced modeling of protein sequence and biophysical properties (such as structural, functional, and spatial information, amino acid conservation, physicochemical variation, residue mobility, and thermodynamic stability) performed at Invitae indicates that this missense variant is not expected to disrupt FAT4 protein function. ClinVar contains an entry for this variant (Variation ID: 2010156). This variant has not been reported in the literature in individuals affected with FAT4-related conditions. This variant is not present in population databases (gnomAD no frequency). This sequence change replaces histidine, which is basic and polar, with glutamine, which is neutral and polar, at codon 4128 of the FAT4 protein (p.His4128Gln).